The following is an entry in ClinVar:

NM_015512.5(DNAH1):c.10438A>G (p.Ile3480Val)

Gene: DNAH1 (dynein axonemal heavy chain 1; plus strand). Cytogenetic location: 3p21.1.
Variant type: single nucleotide variant.
Coding change: c.10438A>G on transcript NM_015512.5 (MANE Select); coding-DNA position 10438, A replaced by G.
Protein change: p.Ile3480Val; replaces isoleucine 3480 with valine.
Molecular consequence: missense variant.
Genome position (GRCh38, 1-based): chr3:52,392,989, A>G. VCF-style: chr3-52392989-A-G. GRCh37 (hg19) VCF-style: chr3-52427005-A-G.
Other names: p.Ile3480Val; short protein forms I3480V.
Identifiers: ClinVar variation 478384 (VCV000478384.16), dbSNP rs143443167, ClinGen allele CA2435835.

ClinVar aggregate classification (germline): Conflicting classifications of pathogenicity. Review status: criteria provided, conflicting classifications (1 of 4 stars). 7 submissions from 7 submitters: Uncertain significance (4); Benign (1); Likely benign (1). 1 of the submissions does not count toward it. Last evaluated 2026-01-17.

Conditions:
DNAH1-related disorder. Also called: DNAH1-related condition.
Spermatogenic failure 18. Identifiers: MedGen C4539783, MONDO:0054615, OMIM 617576.
Ciliary dyskinesia, primary, 37 (CILD37). Also called: CILIARY DYSKINESIA, PRIMARY, 37, WITH OR WITHOUT SITUS INVERSUS. Identifiers: MedGen C4539798, MONDO:0033204, OMIM 617577.
Primary ciliary dyskinesia. Also called: Ciliary dyskinesia. Identifiers: Orphanet 244, MedGen C0008780, MONDO:0016575, HP:0012265.

Allele frequency attached by ClinVar (database versions not stated): 1000 Genomes Project 0.00060; 1000 Genomes Project 30x 0.00062; ExAC 0.00080; gnomAD exomes 0.00081 and 0.00186; TOPMed 0.00093; gnomAD 0.00103 and 0.00104; ESP Exome Variant Server 0.00119.
gnomAD v4.1: 2,835 of 1,613,274 alleles (0.18%); highest among the groups gnomAD compares: Non-Finnish European, 0.22%; 6 homozygotes.

Submissions (7):

Labcorp Genetics (formerly Invitae), Labcorp
Classification: Uncertain significance for Ciliary dyskinesia, primary, 37; Spermatogenic failure 18. Last evaluated: 2026-01-17. Review status: criteria provided, single submitter. Criteria: Invitae Variant Classification Sherloc (09022015). Collection method: clinical testing. Allele origin: germline.
Comment: This sequence change replaces isoleucine, which is neutral and non-polar, with valine, which is neutral and non-polar, at codon 3480 of the DNAH1 protein (p.Ile3480Val). This variant is present in population databases (rs143443167, gnomAD 0.1%), and has an allele count higher than expected for a pathogenic variant. This variant has not been reported in the literature in individuals affected with DNAH1-related conditions. ClinVar contains an entry for this variant (Variation ID: 478384). Invitae Evidence Modeling of protein sequence and biophysical properties (such as structural, functional, and spatial information, amino acid conservation, physicochemical variation, residue mobility, and thermodynamic stability) has been performed for this missense variant. However, the output from this modeling did not meet the statistical confidence thresholds required to predict the impact of this variant on DNAH1 protein function. In summary, the available evidence is currently insufficient to determine the role of this variant in disease. Therefore, it has been classified as a Variant of Uncertain Significance.

Mayo Clinic Laboratories, Mayo Clinic
Classification: Benign. Last evaluated: 2025-10-17. Review status: criteria provided, single submitter. Criteria: ACMG Guidelines, 2015. Collection method: clinical testing. Allele origin: germline. Observed: 1 variant allele.
Comment: BS1, BS2, BP4_moderate

GeneDx
Classification: Uncertain significance. Last evaluated: 2025-05-22. Review status: criteria provided, single submitter. Criteria: GeneDx Variant Classification Process June 2021. Collection method: clinical testing. Allele origin: germline. Affected: yes.
Comment: Observed as heterozygous, along with a heterozygous variant in the NUP188 gene, in a patient with a congenital heart defect from a digenetic study of 115 known laterality defect genes (PMID: 39606420); In silico analysis suggests that this missense variant does not alter protein structure/function; This variant is associated with the following publications: (PMID: 39606420)

Blueprint Genetics
Classification: Likely benign. Last evaluated: 2024-11-08. Review status: criteria provided, single submitter. Criteria: ACMG Guidelines, 2015. Collection method: clinical testing. Allele origin: germline.

Revvity Omics, Revvity
Classification: Uncertain significance. Last evaluated: 2020-05-05. Review status: criteria provided, single submitter. Criteria: ACMG Guidelines, 2015. Collection method: clinical testing. Allele origin: germline.

UNC Molecular Genetics  Laboratory, University of North Carolina at Chapel Hill
Classification: Uncertain significance for Primary ciliary dyskinesia. Last evaluated: 2018-01-04. Review status: criteria provided, single submitter. Criteria: ACMG Guidelines, 2015. Collection method: clinical testing. Allele origin: germline. Observed: 1 heterozygote.

PreventionGenetics, part of Exact Sciences
Classification: Likely benign for DNAH1-related condition. Last evaluated: 2022-03-23. Review status: no assertion criteria provided. Collection method: clinical testing. Allele origin: germline. Not counted in ClinVar's aggregate classification.
Comment: This variant is classified as likely benign based on ACMG/AMP sequence variant interpretation guidelines (Richards et al. 2015 PMID: 25741868, with internal and published modifications).